The following is an entry in ClinVar:

NM_006231.4(POLE):c.3740C>T (p.Pro1247Leu)

Gene: POLE (DNA polymerase epsilon, catalytic subunit; minus strand). Cytogenetic location: 12q24.33.
Variant type: single nucleotide variant.
Coding change: c.3740C>T on transcript NM_006231.4 (MANE Select); coding-DNA position 3740, C replaced by T.
Protein change: p.Pro1247Leu; replaces proline 1247 with leucine.
Molecular consequence: missense variant.
Genome position (GRCh38, 1-based): chr12:132,649,732, G>A on the plus strand (C>T on the coding strand, the complement: POLE is on the minus strand). VCF-style: chr12-132649732-G-A. GRCh37 (hg19) VCF-style: chr12-133226318-G-A.
Other names: c.3740C>T (NM_006231.2); short protein forms P1247L.
Identifiers: ClinVar variation 405683 (VCV000405683.21), dbSNP rs572986717, ClinGen allele CA6893125.

ClinVar aggregate classification (germline): Conflicting classifications of pathogenicity. Review status: criteria provided, conflicting classifications (1 of 4 stars). 6 submissions from 6 submitters: Uncertain significance (5); Likely benign (1). Last evaluated 2026-02-20.

Conditions:
Hereditary cancer-predisposing syndrome. Also called: Hereditary Cancer Syndrome; Hereditary neoplastic syndrome; Neoplastic Syndromes, Hereditary; Tumor predisposition. Identifiers: Orphanet 140162, MedGen C0027672, MeSH D009386, MONDO:0015356.
Colorectal cancer, susceptibility to, 12 (CRCS12). Also called: COLORECTAL CANCER, SUSCEPTIBILITY TO, ON CHROMOSOME 12q24. Identifiers: Orphanet 220460, MedGen C3554460, MONDO:0014038, OMIM 615083.
Familial colorectal cancer type X. Identifiers: Orphanet 440437, MedGen C3896578, MONDO:0018604.
Polymerase proofreading-related adenomatous polyposis. Also called: Polymerase proofreading associated polyposis; Polymerase proofreading–associated polyposis (PPAP). Identifiers: Orphanet 447877, MedGen C5202613, MONDO:0018653.

Allele frequency attached by ClinVar (database versions not stated): gnomAD 0.00003; TOPMed 0.00003; ExAC 0.00005; gnomAD exomes 0.00006; 1000 Genomes Project 30x 0.00016; 1000 Genomes Project 0.00020.
gnomAD v4.1: 47 of 1,614,188 alleles (0.0029%); highest among the groups gnomAD compares: South Asian, 0.033%; no homozygotes.

Submissions (6):

St. Jude Molecular Pathology, St. Jude Children's Research Hospital
Classification: Uncertain significance for Colorectal cancer, susceptibility to, 12. Last evaluated: 2026-02-20. Review status: criteria provided, single submitter. Criteria: St. Jude Assertion Criteria 2020. Collection method: clinical testing. Allele origin: germline.
Comment: the POLE gene are associated with polymerase proofreading-associated polyposis which includes predisposition to colorectal adenomas and carcinomas (OMIM ID: 615083). Of note, all individuals diagnosed with POLE-a ssociated colorectal adenomas and carcinomas to date have had pathogenic missense variants affecting the exonuclease domain. Pathogenic variants affecting both copies of the POLE gene are associated with FILS syndrome (OMIM ID: 615139) and IMAGE-I syndro me (OMIM ID: 618336). The POLE c.3740C>T p.(Pro1247Leu) missense change has a maximum subpopulation frequency of 0.025% in gnomAD v2.1.1. The in silico tool REVEL predicts a benign effect on protein function, but to ou r knowledge this prediction has not been confirmed by functional studies. To our knowledge, this variant has not been reported in individuals with POLE-associated polyposis, FILS syndrome, or IMAGE-I syndrome. In summary, the evidence currently available is insufficient to determine the clinical significance of this variant. It has therefore been classified as of uncertain significance.

Labcorp Genetics (formerly Invitae), Labcorp
Classification: Uncertain significance. Last evaluated: 2025-11-25. Review status: criteria provided, single submitter. Criteria: Invitae Variant Classification Sherloc (09022015). Collection method: clinical testing. Allele origin: germline.
Comment: This sequence change replaces proline, which is neutral and non-polar, with leucine, which is neutral and non-polar, at codon 1247 of the POLE protein (p.Pro1247Leu). This variant is present in population databases (rs572986717, gnomAD 0.02%). This variant has not been reported in the literature in individuals affected with POLE-related conditions. ClinVar contains an entry for this variant (Variation ID: 405683). Invitae Evidence Modeling of protein sequence and biophysical properties (such as structural, functional, and spatial information, amino acid conservation, physicochemical variation, residue mobility, and thermodynamic stability) indicates that this missense variant is not expected to disrupt POLE protein function with a negative predictive value of 80%. In summary, the available evidence is currently insufficient to determine the role of this variant in disease. Therefore, it has been classified as a Variant of Uncertain Significance.

Ambry Genetics
Classification: Likely benign for Hereditary cancer-predisposing syndrome. Last evaluated: 2024-10-17. Review status: criteria provided, single submitter. Criteria: Ambry Variant Classification Scheme 2023. Collection method: clinical testing. Allele origin: germline.

GeneDx
Classification: Uncertain significance. Last evaluated: 2023-10-31. Review status: criteria provided, single submitter. Criteria: GeneDx Variant Classification Process June 2021. Collection method: clinical testing. Allele origin: germline. Affected: yes.
Comment: In silico analysis supports that this missense variant does not alter protein structure/function; Has not been previously published as pathogenic or benign germline variant to our knowledge; This variant is associated with the following publications: (PMID: 29320758)

Department of Pathology and Laboratory Medicine, Sinai Health System
Classification: Uncertain significance for Polymerase proofreading-related adenomatous polyposis; Familial colorectal cancer type X. Last evaluated: 2023-07-14. Review status: criteria provided, single submitter. Criteria: ACMG Guidelines, 2015. Collection method: clinical testing. Allele origin: germline. Affected: yes.

Quest Diagnostics Nichols Institute San Juan Capistrano
Classification: Uncertain significance. Last evaluated: 2017-12-08. Review status: criteria provided, single submitter. Criteria: Quest Diagnostics criteria. Collection method: clinical testing. Allele origin: germline.